The following is an entry in ClinVar:

ClinVar aggregate classification (germline): Pathogenic (1 of 4 stars; one submission).

Submission:

Labcorp Genetics (formerly Invitae), Labcorp
Classification: Pathogenic. Last evaluated: 2023-10-29. Review status: criteria provided, single submitter. Criteria: Invitae Variant Classification Sherloc (09022015). Collection method: clinical testing. Allele origin: germline.
Comment: This sequence change creates a premature translational stop signal (p.Trp356*) in the OTOF gene. It is expected to result in an absent or disrupted protein product. Loss-of-function variants in OTOF are known to be pathogenic (PMID: 18381613, 19250381, 22575033). This variant is not present in population databases (gnomAD no frequency). This variant has not been reported in the literature in individuals affected with OTOF-related conditions. For these reasons, this variant has been classified as Pathogenic.

Literature cited by the submitters: PubMed 18381613; PubMed 19250381; PubMed 22575033.

NM_194248.3(OTOF):c.1068G>A (p.Trp356Ter)

Gene: OTOF (otoferlin; minus strand). Cytogenetic location: 2p23.3.
Variant type: single nucleotide variant.
Coding change: c.1068G>A on transcript NM_194248.3 (MANE Select); coding-DNA position 1068, G replaced by A.
Protein change: p.Trp356Ter; replaces tryptophan 356 with a stop codon.
Molecular consequence: nonsense.
Genome position (GRCh38, 1-based): chr2:26,484,611, C>T on the plus strand (G>A on the coding strand, the complement: OTOF is on the minus strand). VCF-style: chr2-26484611-C-T. GRCh37 (hg19) VCF-style: chr2-26707479-C-T.
Other names: c.1068G>A, p.Trp356Ter (NM_001287489.2); short protein forms W356*.
Identifiers: ClinVar variation 2789281 (VCV002789281.3), dbSNP rs2465280775, ClinGen allele CA346137948.